The following is an entry in ClinVar:

ClinVar aggregate classification (germline): Likely benign. Review status: criteria provided, multiple submitters, no conflicts (2 of 4 stars). 2 submissions from 2 submitters: Likely benign (2). Last evaluated 2018-06-13.

Allele frequency attached by ClinVar (database versions not stated): 1000 Genomes Project 0.00280; 1000 Genomes Project 30x 0.00328; gnomAD 0.00827; TOPMed 0.00835; gnomAD exomes 0.01192.
gnomAD v4.1: 13,275 of 1,174,310 alleles (1.1%); highest among the groups gnomAD compares: Non-Finnish European, 1.4%; 188 homozygotes.

Submissions (2):

GeneDx
Classification: Likely benign. Last evaluated: 2018-06-13. Review status: criteria provided, single submitter. Criteria: GeneDx Variant Classification (06012015). Collection method: clinical testing. Allele origin: germline. Affected: yes.
Comment: This variant is considered likely benign or benign based on one or more of the following criteria: it is a conservative change, it occurs at a poorly conserved position in the protein, it is predicted to be benign by multiple in silico algorithms, and/or has population frequency not consistent with disease.

Breakthrough Genomics
Classification: Likely benign. Review status: criteria provided, single submitter. Criteria: ACMG Guidelines, 2015. Collection method: not provided. Allele origin: germline. Inheritance: Autosomal recessive inheritance. Affected: yes.

NM_001384474.1(LOXHD1):c.5085+74G>A

Gene: LOXHD1 (lipoxygenase homology PLAT domains 1; minus strand). Cytogenetic location: 18q21.1.
Variant type: single nucleotide variant.
Coding change: c.5085+74G>A on transcript NM_001384474.1 (MANE Select); 74 bases into the intron after coding-DNA position 5085, G replaced by A.
Molecular consequence: intron variant.
Genome position (GRCh38, 1-based): chr18:46,522,027, C>T on the plus strand (G>A on the coding strand, the complement: LOXHD1 is on the minus strand). VCF-style: chr18-46522027-C-T. GRCh37 (hg19) VCF-style: chr18-44101990-C-T.
Other names: c.1752+74G>A (NM_001145472.3); c.1464+74G>A (NM_001308013.2); c.5085+74G>A (NM_144612.7).
Identifiers: ClinVar variation 683249 (VCV000683249.2), dbSNP rs188666577, ClinGen allele CA299800941.